The following is an entry in ClinVar:

ClinVar aggregate classification (germline): Pathogenic. Review status: reviewed by expert panel (3 of 4 stars). 17 submissions from 17 submitters: Pathogenic (1). 16 of the submissions do not count toward it. Last evaluated 2019-06-18.

Conditions:
Hereditary cancer-predisposing syndrome. Also called: Hereditary Cancer Syndrome; Hereditary neoplastic syndrome; Tumor predisposition; Neoplastic Syndromes, Hereditary. Identifiers: Orphanet 140162, MedGen C0027672, MeSH D009386, MONDO:0015356.
Breast and/or ovarian cancer. Identifiers: MedGen CN221562.
Hereditary breast ovarian cancer syndrome. Also called: Breast and ovarian cancer; BRCA1- and BRCA2-Associated Hereditary Breast and Ovarian Cancer; Hereditary breast and ovarian cancer syndrome; Hereditary breast and/or ovarian cancer syndrome; Hereditary breast and ovarian cancer; Hereditary breast and ovarian cancer syndrome (HBOC). Identifiers: Orphanet 145, MedGen C0677776, MeSH D061325, MONDO:0003582. Disease mechanism: loss of function.
Breast-ovarian cancer, familial, susceptibility to, 2 (BROVCA2). Also called: BRCA2 Hereditary Breast and Ovarian Cancer. Identifiers: Orphanet 145, MedGen C2675520, MONDO:0012933, OMIM 612555. Disease mechanism: loss of function.

Allele frequency attached by ClinVar (database versions not stated): gnomAD 0.00001; TOPMed below 0.00001.

Submissions 1 to 12 of 17:

Evidence-based Network for the Interpretation of Germline Mutant Alleles (ENIGMA)
Classification: Pathogenic for Breast-ovarian cancer, familial, susceptibility to, 2. Last evaluated: 2019-06-18. Review status: reviewed by expert panel. Criteria: ENIGMA BRCA1/2 Classification Criteria (2017-06-29). Collection method: curation. Allele origin: germline.
Comment: IARC class based on posterior probability from multifactorial likelihood analysis, thresholds for class as per Plon et al. 2008 (PMID: 18951446). Class 5 based on posterior probability = 0.999736

Institute of Human Genetics, University of Leipzig Medical Center
Classification: Pathogenic for Breast-ovarian cancer, familial, susceptibility to, 2. Last evaluated: 2026-04-27. Review status: criteria provided, single submitter. Criteria: ACMG Guidelines, 2015. Collection method: clinical testing. Allele origin: unknown. Inheritance: Autosomal dominant inheritance. Affected: yes. Not counted in ClinVar's aggregate classification.
Comment: Criteria applied: PVS1,PP4_VSTR,PS3

Ambry Genetics
Classification: Pathogenic for Hereditary cancer-predisposing syndrome. Last evaluated: 2025-12-15. Review status: criteria provided, single submitter. Criteria: Ambry Variant Classification Scheme 2023. Collection method: clinical testing. Allele origin: germline. Not counted in ClinVar's aggregate classification.
Comment: The p.M1? pathogenic mutation (also known as c.3G>A) is located in coding exon 1 of the BRCA2 gene and results from a G to A substitution at nucleotide position 3. This alters the methionine residue at the initiation codon (ATG). This mutation has been identified in one kindred with familial breast cancer in which three members were affected; In addition to the clinical data presented in the literature, sequence variations that modify the initiation codon are expected to result in either loss of translation initiation, N-terminal truncation, or cause a shift in the mRNA reading frame. Based on the supporting evidence, this alteration is interpreted as a disease-causing mutation.

Labcorp Genetics (formerly Invitae), Labcorp
Classification: Pathogenic for Hereditary breast ovarian cancer syndrome. Last evaluated: 2025-12-06. Review status: criteria provided, single submitter. Criteria: Invitae Variant Classification Sherloc (09022015). Collection method: clinical testing. Allele origin: germline. Not counted in ClinVar's aggregate classification.
Comment: This sequence change affects the initiator codon of the BRCA2 mRNA. This change may impact translation initiation or efficiency. The next in-frame methionine is located at codon 124. This variant is not present in population databases (gnomAD no frequency). Disruption of the initiator codon has been observed in individual(s) with breast and/or ovarian cancer (PMID: 29478780). ClinVar contains an entry for this variant (Variation ID: 51579). Based on a multifactorial likelihood algorithm using genetic, in silico, and/or statistical data, this variant has been determined to have a high probability of being pathogenic (PMID: 21769658). While this variant is expected to result in an absent protein product, possible rescue of translational initiation by the downstream methionine would lead to the disruption of the N-terminal part of the BRCA2 protein that interacts with PALB2 (residues 18-40), which is critical for BRCA2-mediated homologous recombinational DNA repair (PMID: 16793542, 22678057, 19369211). This variant disrupts the p.Met1 amino acid residue in BRCA2. Other variant(s) that disrupt this residue have been determined to be pathogenic (PMID: 14647210, 18182601, 21769658, 24156927, 25330149; internal data). This suggests that this residue is clinically significant, and that variants that disrupt this residue are likely to be disease-causing. For these reasons, this variant has been classified as Pathogenic.

Institute for Clinical Genetics, University Hospital TU Dresden, University Hospital TU Dresden
Classification: Pathogenic. Last evaluated: 2021-11-03. Review status: criteria provided, single submitter. Criteria: ACMG Guidelines, 2015. Collection method: clinical testing. Allele origin: germline. Not counted in ClinVar's aggregate classification.

Laboratory for Molecular Medicine, Mass General Brigham Personalized Medicine
Classification: Likely pathogenic for Hereditary breast ovarian cancer syndrome. Last evaluated: 2021-07-15. Review status: criteria provided, single submitter. Criteria: ACMG Guidelines, 2015. Collection method: clinical testing. Allele origin: germline. Not counted in ClinVar's aggregate classification.
Comment: The p.Met1Ile variant in BRCA2 has been reported in at least 10 individuals with BRCA2-associated cancers (Borg 2010 PMID:20104584, Thomassen 2012 PMID:21769658, Breast Cancer Information Core (BIC) database) and in >10 individuals with a family history of breast and ovarian cancer (HBOC) that had undergone clinical genetic testing (Konecny 2011 PMID: 21203900, Meisel 2017 PMID:28324225; Heramb 2018 PMID:29339979, Rebbeck 2018 PMID: 29446198). It has also been identified in 0.001% (1/68028) of European chromosomes by gnomAD (v.3.1). This variant affects the translation initiation start codon (ATG) and is therefore predicted to disrupt translation through a variety of outcomes (no protein synthesis or the activation of an upstream translation initiation codon), though the precise effect cannot be predicted. Of note, a possible alternate initiation codon location exists downstream at codon 124, which would result in a protein that is missing 4% of the coding region. In vitro functional studies support an impact on protein function (Mesman 2018 PMID:29988080). Additionally, this variant was classified as Pathogenic on Jun 18, 2019 by the ClinGen-approved ENIGMA expert panel (Variation ID 51579). Other variants affecting this translation initiation codon have been identified in individuals with HBOC in ClinVar. In summary, this variant meets criteria to be classified as likely pathogenic for autosomal dominant HBOC. ACMG/AMP criteria applied: PS4_Strong, PM2_Supporting, PVS1_Moderate, PS3_Supporting, PM5_Supporting.

Color Diagnostics, LLC DBA Color Health
Classification: Pathogenic for Hereditary cancer-predisposing syndrome. Last evaluated: 2020-11-23. Review status: criteria provided, single submitter. Criteria: ACMG Guidelines, 2015. Collection method: clinical testing. Allele origin: germline. Not counted in ClinVar's aggregate classification.
Comment: This variant results in the loss of the translation start codon of the BRCA2 protein. Splice site prediction tools suggest that this variant may not impact RNA splicing. To our knowledge, functional studies have not been performed for this variant. This variant has been reported in individuals affected with breast cancer (PMID: 20104584, 21769658, 28807866) and in a hereditary breast/ovarian cancer family (PMID: 21203900). This variant has also been analyzed by multifactorial analysis and classified as pathogenic based in part on segregation and tumor pathology likelihood ratios of 67.6 and 2.7, respectively (PMID: 31131967). This variant has not been identified in the general population by the Genome Aggregation Database (gnomAD). Based on the available evidence, this variant is classified as Pathogenic.

Department of Medical Genetics, Oslo University Hospital
Classification: Pathogenic for Breast-ovarian cancer, familial, susceptibility to, 2. Last evaluated: 2017-01-20. Review status: criteria provided, single submitter. Criteria: ACMG Guidelines, 2015. Collection method: clinical testing. Allele origin: germline. Affected: yes. Observed: 6 variant alleles. Not counted in ClinVar's aggregate classification.

Quest Diagnostics Nichols Institute San Juan Capistrano
Classification: Pathogenic for Breast-ovarian cancer, familial, susceptibility to, 2. Last evaluated: 2016-06-04. Review status: criteria provided, single submitter. Criteria: Quest Diagnostics criteria. Collection method: clinical testing. Allele origin: germline. Inheritance: Autosomal dominant inheritance. Not counted in ClinVar's aggregate classification.

Consortium of Investigators of Modifiers of BRCA1/2 (CIMBA), c/o University of Cambridge
Classification: Pathogenic for Breast-ovarian cancer, familial, susceptibility to, 2. Last evaluated: 2015-10-02. Review status: criteria provided, single submitter. Criteria: CIMBA Mutation Classification guidelines May 2016. Collection method: clinical testing. Allele origin: germline. Not counted in ClinVar's aggregate classification.

Hauer Lab, Department Of Pediatric Oncology, Technical University Munich
Classification: Pathogenic for Hereditary cancer-predisposing syndrome. Review status: criteria provided, single submitter. Criteria: ACMG Guidelines, 2015. Collection method: research. Allele origin: germline. Inheritance: Codominant. Affected: yes. Observed: 1 variant allele. Not counted in ClinVar's aggregate classification.
Comment: ACMG/AMP, PVS1, PM2, PP5

BRCAlab, Lund University
Classification: Pathogenic for Breast-ovarian cancer, familial, susceptibility to, 2. Last evaluated: 2020-03-02. Review status: no assertion criteria provided. Collection method: clinical testing. Allele origin: germline. Affected: yes. Not counted in ClinVar's aggregate classification.

NM_000059.4(BRCA2):c.3G>A (p.Met1Ile)

Gene: BRCA2 (BRCA2 DNA repair associated; plus strand). Cytogenetic location: 13q13.1.
Variant type: single nucleotide variant.
Coding change: c.3G>A on transcript NM_000059.4 (MANE Select); coding-DNA position 3, G replaced by A.
Protein change: p.Met1Ile; changes the start codon (methionine 1).
Molecular consequence: missense variant, initiator codon variant.
Genome position (GRCh38, 1-based): chr13:32,316,463, G>A. VCF-style: chr13-32316463-G-A. GRCh37 (hg19) VCF-style: chr13-32890600-G-A.
Other names: M231I; 231G>A; short protein forms M1I.
Identifiers: ClinVar variation 51579 (VCV000051579.32), dbSNP rs80358650, ClinGen allele CA019362.